The following is an entry in ClinVar:

NM_006208.3(ENPP1):c.145T>A (p.Leu49Met)

Gene: ENPP1 (ectonucleotide pyrophosphatase/phosphodiesterase 1; plus strand). Cytogenetic location: 6q23.2.
Variant type: single nucleotide variant.
Coding change: c.145T>A on transcript NM_006208.3 (MANE Select); coding-DNA position 145, T replaced by A.
Protein change: p.Leu49Met; replaces leucine 49 with methionine.
Molecular consequence: missense variant.
Genome position (GRCh38, 1-based): chr6:131,808,180, T>A. VCF-style: chr6-131808180-T-A. GRCh37 (hg19) VCF-style: chr6-132129320-T-A.
Other names: c.145T>A (NM_006208.2); short protein forms L49M.
Identifiers: ClinVar variation 2175805 (VCV002175805.6), dbSNP rs1239569122, ClinGen allele CA365661982.
Genomic context (GRCh38, chr6:131,808,180, plus strand): 5'-CGCGATCGGGGCCGCAGCCACGCTGCCGAGGCGCCCGGGGACCCGCAGGCGGCCGCGTCC[T>A]TGCTGGCCCCTATGGACGTGGGGGAGGAGCCGCTGGAGAAGGCGGCGCGCGCCCGCACTG-3'
Protein context (NP_006199.2, residues 39-59): APGDPQAAAS[Leu49Met]LAPMDVGEEP

ClinVar aggregate classification (germline): Uncertain significance. Review status: criteria provided, multiple submitters, no conflicts (2 of 4 stars). 3 submissions from 3 submitters: Uncertain significance (3). Last evaluated 2025-06-12.

Conditions:
Hypopigmentation-punctate palmoplantar keratoderma syndrome. Also called: GUTTATE HYPOPIGMENTATION AND PUNCTATE PALMOPLANTAR KERATODERMA WITH OR WITHOUT ECTOPIC CALCIFICATION; Cole disease. Identifiers: Orphanet 324561, MedGen C3809781, MONDO:0014227, OMIM 615522.
Arterial calcification, generalized, of infancy, 1 (GACI1). Also called: Idiopathic Infantile Arterial Calcification. Identifiers: Orphanet 51608, MedGen C4551985, MONDO:0008817, OMIM 208000.
Hypophosphatemic rickets, autosomal recessive, 2 (ARHR2). Identifiers: Orphanet 289176, MedGen C2750078, MONDO:0013219, OMIM 613312.
Inherited obesity. Also called: Monogenic Obesity. Identifiers: Orphanet 77828, MedGen C4054476, MONDO:0019182, OMIM 601665.
Type 2 diabetes mellitus. Also called: Type II diabetes mellitus. Identifiers: MedGen C0011860, MeSH D003924, MONDO:0005148, OMIM 125853, HP:0005978.
Inborn genetic diseases. Identifiers: MedGen C0950123, MeSH D030342.

Allele frequency attached by ClinVar (database versions not stated): gnomAD exomes 0.00001; TOPMed 0.00008; gnomAD 0.00009.

Submissions (3):

Labcorp Genetics (formerly Invitae), Labcorp
Classification: Uncertain significance. Last evaluated: 2025-06-12. Review status: criteria provided, single submitter. Criteria: Invitae Variant Classification Sherloc (09022015). Collection method: clinical testing. Allele origin: germline.
Comment: This sequence change replaces leucine, which is neutral and non-polar, with methionine, which is neutral and non-polar, at codon 49 of the ENPP1 protein (p.Leu49Met). This variant is present in population databases (no rsID available, gnomAD 0.06%). This variant has not been reported in the literature in individuals affected with ENPP1-related conditions. ClinVar contains an entry for this variant (Variation ID: 2175805). An algorithm developed to predict the effect of missense changes on protein structure and function outputs the following: PolyPhen-2: "Benign". The methionine amino acid residue is found in multiple mammalian species, which suggests that this missense change does not adversely affect protein function. In summary, the available evidence is currently insufficient to determine the role of this variant in disease. Therefore, it has been classified as a Variant of Uncertain Significance.

Fulgent Genetics
Classification: Uncertain significance for Type 2 diabetes mellitus; Arterial calcification, generalized, of infancy, 1; Inherited obesity; Hypophosphatemic rickets, autosomal recessive, 2; Hypopigmentation-punctate palmoplantar keratoderma syndrome. Last evaluated: 2024-03-22. Review status: criteria provided, single submitter. Criteria: ACMG Guidelines, 2015. Collection method: clinical testing. Allele origin: germline.

Ambry Genetics
Classification: Uncertain significance for Inborn genetic diseases. Last evaluated: 2023-12-13. Review status: criteria provided, single submitter. Criteria: Ambry Variant Classification Scheme 2023. Collection method: clinical testing. Allele origin: germline.